The following is an entry in ClinVar:

NM_000824.5(GLRB):c.496T>C (p.Phe166Leu)

Gene: GLRB (glycine receptor beta; plus strand). Cytogenetic location: 4q32.1.
Variant type: single nucleotide variant.
Coding change: c.496T>C on transcript NM_000824.5 (MANE Select); coding-DNA position 496, T replaced by C.
Protein change: p.Phe166Leu; replaces phenylalanine 166 with leucine.
Molecular consequence: missense variant.
Genome position (GRCh38, 1-based): chr4:157,136,667, T>C. VCF-style: chr4-157136667-T-C. GRCh37 (hg19) VCF-style: chr4-158057819-T-C.
Other names: c.496T>C, p.Phe166Leu (NM_001166060.2, NM_001166061.2); c.496T>C (NM_000824.4); short protein forms F166L.
Identifiers: ClinVar variation 1410537 (VCV001410537.4), dbSNP rs368748559, ClinGen allele CA3119766.

ClinVar aggregate classification (germline): Uncertain significance. Review status: criteria provided, multiple submitters, no conflicts (2 of 4 stars). 2 submissions from 2 submitters: Uncertain significance (2). Last evaluated 2025-10-21.

Conditions:
Hyperekplexia 2 (HKPX2). Identifiers: Orphanet 3197, MedGen C3553291, MONDO:0013828, OMIM 614619.
Inborn genetic diseases. Identifiers: MedGen C0950123, MeSH D030342.

Allele frequency attached by ClinVar (database versions not stated): gnomAD exomes 0.00001; ExAC 0.00002; TOPMed 0.00004; gnomAD 0.00005; ESP Exome Variant Server 0.00008.
gnomAD v4.1: 19 of 1,610,934 alleles (0.0012%); highest among the groups gnomAD compares: Middle Eastern, 0.016%; no homozygotes.

Submissions (2):

Ambry Genetics
Classification: Uncertain significance for Inborn genetic diseases. Last evaluated: 2025-10-21. Review status: criteria provided, single submitter. Criteria: Ambry Variant Classification Scheme 2023. Collection method: clinical testing. Allele origin: germline.

Labcorp Genetics (formerly Invitae), Labcorp
Classification: Uncertain significance for Hyperekplexia 2. Last evaluated: 2022-10-25. Review status: criteria provided, single submitter. Criteria: Invitae Variant Classification Sherloc (09022015). Collection method: clinical testing. Allele origin: germline.
Comment: This sequence change replaces phenylalanine, which is neutral and non-polar, with leucine, which is neutral and non-polar, at codon 166 of the GLRB protein (p.Phe166Leu). This variant is present in population databases (rs368748559, gnomAD 0.01%). This variant has not been reported in the literature in individuals affected with GLRB-related conditions. ClinVar contains an entry for this variant (Variation ID: 1410537). Advanced modeling of protein sequence and biophysical properties (such as structural, functional, and spatial information, amino acid conservation, physicochemical variation, residue mobility, and thermodynamic stability) performed at Invitae indicates that this missense variant is not expected to disrupt GLRB protein function. In summary, the available evidence is currently insufficient to determine the role of this variant in disease. Therefore, it has been classified as a Variant of Uncertain Significance.